The following is an entry in ClinVar:

ClinVar aggregate classification (germline): Likely benign (0 of 4 stars; one submission).

Conditions:
DROSHA-related disorder. Also called: DROSHA-related condition.

Allele frequency attached by ClinVar (database versions not stated): 1000 Genomes Project 0.00020; ExAC 0.00057; 1000 Genomes Project 30x 0.00078; gnomAD 0.00078; TOPMed 0.00085; gnomAD exomes 0.00112; ESP Exome Variant Server 0.00128.
gnomAD v4.1: 1,731 of 1,613,782 alleles (0.11%); highest among the groups gnomAD compares: Non-Finnish European, 0.14%; 3 homozygotes.

Submission:

PreventionGenetics, part of Exact Sciences
Classification: Likely benign for DROSHA-related condition. Last evaluated: 2021-05-04. Review status: no assertion criteria provided. Collection method: clinical testing. Allele origin: germline.
Comment: This variant is classified as likely benign based on ACMG/AMP sequence variant interpretation guidelines (Richards et al. 2015 PMID: 25741868, with internal and published modifications).

NM_001382508.1(DROSHA):c.768C>T (p.Pro256=)

Gene: DROSHA (drosha ribonuclease III; minus strand). Cytogenetic location: 5p13.3.
Variant type: single nucleotide variant.
Coding change: c.768C>T on transcript NM_001382508.1 (MANE Select); coding-DNA position 768, C replaced by T.
Protein change: p.Pro256=; no amino-acid change (proline 256 retained).
Molecular consequence: synonymous variant.
Genome position (GRCh38, 1-based): chr5:31,526,165, G>A on the plus strand (C>T on the coding strand, the complement: DROSHA is on the minus strand). VCF-style: chr5-31526165-G-A. GRCh37 (hg19) VCF-style: chr5-31526272-G-A.
Other names: c.768C>T, p.Pro256= (NM_001100412.2, NM_013235.5).
Identifiers: ClinVar variation 3046049 (VCV003046049.2), dbSNP rs35969247, ClinGen allele CA3217884.